The following is an entry in ClinVar:

NM_002485.5(NBN):c.504A>C (p.Gly168=)

Gene: NBN (nibrin; minus strand). Cytogenetic location: 8q21.3.
Variant type: single nucleotide variant.
Coding change: c.504A>C on transcript NM_002485.5 (MANE Select); coding-DNA position 504, A replaced by C.
Protein change: p.Gly168=; no amino-acid change (glycine 168 retained).
Molecular consequence: synonymous variant.
Genome position (GRCh38, 1-based): chr8:89,978,300, T>G on the plus strand (A>C on the coding strand, the complement: NBN is on the minus strand). VCF-style: chr8-89978300-T-G. GRCh37 (hg19) VCF-style: chr8-90990528-T-G.
Other names: c.258A>C, p.Gly86= (NM_001024688.3).
Identifiers: ClinVar variation 382832 (VCV000382832.12), dbSNP rs1057521464, ClinGen allele CA16606148.

ClinVar aggregate classification (germline): Likely benign. Review status: criteria provided, multiple submitters, no conflicts (2 of 4 stars). 3 submissions from 3 submitters: Likely benign (3). Last evaluated 2024-05-01.

Conditions:
Hereditary cancer-predisposing syndrome. Also called: Hereditary neoplastic syndrome; Tumor predisposition; Neoplastic Syndromes, Hereditary; Hereditary Cancer Syndrome. Identifiers: Orphanet 140162, MedGen C0027672, MeSH D009386, MONDO:0015356.
Microcephaly, normal intelligence and immunodeficiency (NBS). Also called: BERLIN BREAKAGE SYNDROME; SEEMANOVA SYNDROME II; Nijmegen breakage syndrome; IMMUNODEFICIENCY, MICROCEPHALY, AND CHROMOSOMAL INSTABILITY; Immunodeficiency, microcephaly with normal intelligence; Microcephaly with normal intelligence immunodeficiency and lymphoreticular malignancies. Identifiers: Orphanet 647, MedGen C0398791, MONDO:0009623, OMIM 251260.

Allele frequency attached by ClinVar (database versions not stated): gnomAD exomes below 0.00001.
gnomAD v4.1: 2 of 1,591,508 alleles (0.00013%); highest among the groups gnomAD compares: East Asian, 0.0022%; no homozygotes.

Submissions (3):

Labcorp Genetics (formerly Invitae), Labcorp
Classification: Likely benign for Microcephaly, normal intelligence and immunodeficiency. Last evaluated: 2024-05-01. Review status: criteria provided, single submitter. Criteria: Invitae Variant Classification Sherloc (09022015). Collection method: clinical testing. Allele origin: germline.

Ambry Genetics
Classification: Likely benign for Hereditary cancer-predisposing syndrome. Last evaluated: 2022-10-09. Review status: criteria provided, single submitter. Criteria: Ambry Variant Classification Scheme 2023. Collection method: clinical testing. Allele origin: germline.

GeneDx
Classification: Likely benign. Last evaluated: 2016-01-05. Review status: criteria provided, single submitter. Criteria: GeneDx Variant Classification (06012015). Collection method: clinical testing. Allele origin: germline. Affected: yes.
Comment: This variant is considered likely benign or benign based on one or more of the following criteria: it is a conservative change, it occurs at a poorly conserved position in the protein, it is predicted to be benign by multiple in silico algorithms, and/or has population frequency not consistent with disease.